The following is an entry in ClinVar:

NM_000135.4(FANCA):c.4139C>G (p.Ala1380Gly)

Genes: FANCA (FA complementation group A; minus strand), ZNF276 (zinc finger protein 276; plus strand). Cytogenetic location: 16q24.3.
Variant type: single nucleotide variant.
Coding change: c.4139C>G on transcript NM_000135.4 (MANE Select); coding-DNA position 4139, C replaced by G.
Protein change: p.Ala1380Gly; replaces alanine 1380 with glycine.
Molecular consequence: missense variant. On other transcripts: 3 prime UTR variant (2), non-coding transcript variant (4).
Genome position (GRCh38, 1-based): chr16:89,739,161, G>C on the plus strand (C>G on the coding strand, the complement: FANCA is on the minus strand). VCF-style: chr16-89739161-G-C. GRCh37 (hg19) VCF-style: chr16-89805569-G-C.
Other names: c.4139C>G, p.Ala1380Gly (NM_001286167.3); c.*915G>C (NM_001113525.2, NM_152287.4); short protein forms A1380G.
Identifiers: ClinVar variation 4022234 (VCV004022234.1).

ClinVar aggregate classification (germline): Uncertain significance (1 of 4 stars; one submission).

Conditions:
Inborn genetic diseases. Identifiers: MedGen C0950123, MeSH D030342.

Submission:

Ambry Genetics
Classification: Uncertain significance for Inborn genetic diseases. Last evaluated: 2025-05-02. Review status: criteria provided, single submitter. Criteria: Ambry Variant Classification Scheme 2023. Collection method: clinical testing. Allele origin: germline.
Comment: The p.A1380G variant (also known as c.4139C>G), located in coding exon 41 of the FANCA gene, results from a C to G substitution at nucleotide position 4139. The alanine at codon 1380 is replaced by glycine, an amino acid with similar properties. This amino acid position is conserved. In addition, this alteration is predicted to be tolerated by in silico analysis. Based on the available evidence, the clinical significance of this variant remains unclear.